The following is an entry in ClinVar:

NM_031935.3(HMCN1):c.498+15A>C

Gene: HMCN1 (hemicentin 1; plus strand). Cytogenetic location: 1q31.1.
Variant type: single nucleotide variant.
Coding change: c.498+15A>C on transcript NM_031935.3 (MANE Select); 15 bases into the intron after coding-DNA position 498, A replaced by C.
Molecular consequence: intron variant.
Genome position (GRCh38, 1-based): chr1:185,864,643, A>C. VCF-style: chr1-185864643-A-C. GRCh37 (hg19) VCF-style: chr1-185833775-A-C.
Identifiers: ClinVar variation 294096 (VCV000294096.15), dbSNP rs565661847, ClinGen allele CA1290846.

ClinVar aggregate classification (germline): Likely benign. Review status: criteria provided, multiple submitters, no conflicts (2 of 4 stars). 3 submissions from 3 submitters: Likely benign (3). Last evaluated 2025-03-17.

Conditions:
Age related macular degeneration 1 (ARMD1). Also called: MACULOPATHY, AGE-RELATED, 1. Identifiers: MedGen C1864205, MONDO:0011285, OMIM 603075.

Allele frequency attached by ClinVar (database versions not stated): gnomAD 0.00004 and 0.00005; TOPMed 0.00004; ExAC 0.00013; gnomAD exomes 0.00015; 1000 Genomes Project 0.00020; 1000 Genomes Project 30x 0.00031.
gnomAD v4.1: 56 of 1,613,194 alleles (0.0035%); highest among the groups gnomAD compares: East Asian, 0.12%; no homozygotes.

Submissions (3):

Labcorp Genetics (formerly Invitae), Labcorp
Classification: Likely benign. Last evaluated: 2025-03-17. Review status: criteria provided, single submitter. Criteria: Invitae Variant Classification Sherloc (09022015). Collection method: clinical testing. Allele origin: germline.

Genome-Nilou Lab
Classification: Likely benign for Age related macular degeneration 1. Last evaluated: 2023-04-11. Review status: criteria provided, single submitter. Criteria: ACMG Guidelines, 2015. Collection method: clinical testing. Allele origin: germline. Affected: no.

Illumina Laboratory Services, Illumina
Classification: Likely benign for Age related macular degeneration 1. Last evaluated: 2018-01-13. Review status: criteria provided, single submitter. Criteria: ICSL Variant Classification Criteria 13 December 2019. Collection method: clinical testing. Allele origin: germline.
Comment: This variant was observed in the ICSL laboratory as part of a predisposition screen in an ostensibly healthy population. It had not been previously curated by ICSL or reported in the Human Gene Mutation Database (HGMD: prior to June 1st, 2018), and was therefore a candidate for classification through an automated scoring system. Utilizing variant allele frequency, disease prevalence and penetrance estimates, and inheritance mode, an automated score was calculated to assess if this variant is too frequent to cause the disease. Based on the score and internal cut-off values, a variant classified as likely benign is not then subjected to further curation. The score for this variant resulted in a classification of likely benign for this disease.